The following is an entry in ClinVar:

ClinVar aggregate classification (germline): Uncertain significance (1 of 4 stars; one submission).

Conditions:
Juvenile polyposis syndrome (JPS). Identifiers: Orphanet 2929, MedGen C0345893, MONDO:0017380, OMIM 174900.

Submission:

Labcorp Genetics (formerly Invitae), Labcorp
Classification: Uncertain significance for Juvenile polyposis syndrome. Last evaluated: 2022-06-13. Review status: criteria provided, single submitter. Criteria: Invitae Variant Classification Sherloc (09022015). Collection method: clinical testing. Allele origin: germline.
Comment: In summary, the available evidence is currently insufficient to determine the role of this variant in disease. Therefore, it has been classified as a Variant of Uncertain Significance. Algorithms developed to predict the effect of missense changes on protein structure and function are either unavailable or do not agree on the potential impact of this missense change (SIFT: "Deleterious"; PolyPhen-2: "Probably Damaging"; Align-GVGD: "Class C0"). This variant has not been reported in the literature in individuals affected with SMAD4-related conditions. This variant is not present in population databases (gnomAD no frequency). This sequence change replaces aspartic acid, which is acidic and polar, with asparagine, which is neutral and polar, at codon 120 of the SMAD4 protein (p.Asp120Asn).

NM_005359.6(SMAD4):c.358G>A (p.Asp120Asn)

Gene: SMAD4 (SMAD family member 4; plus strand). Cytogenetic location: 18q21.2.
Variant type: single nucleotide variant.
Coding change: c.358G>A on transcript NM_005359.6 (MANE Select); coding-DNA position 358, G replaced by A.
Protein change: p.Asp120Asn; replaces aspartic acid 120 with asparagine.
Molecular consequence: missense variant.
Genome position (GRCh38, 1-based): chr18:51,048,794, G>A. VCF-style: chr18-51048794-G-A. GRCh37 (hg19) VCF-style: chr18-48575164-G-A.
Other names: c.358G>A, p.Asp120Asn (NM_001407041.1, NM_001407042.1, NM_001407043.1); short protein forms D120N.
Identifiers: ClinVar variation 2005555 (VCV002005555.4), dbSNP rs1909621069, ClinGen allele CA402458515.